The following is an entry in ClinVar:

ClinVar aggregate classification (germline): Likely benign (0 of 4 stars; one submission).

Conditions:
SFTPA1-related disorder. Also called: SFTPA1-related condition.

Allele frequency attached by ClinVar (database versions not stated): gnomAD exomes 0.00001; gnomAD 0.00010; TOPMed 0.00012.
gnomAD v4.1: 38 of 1,556,236 alleles (0.0024%); highest among the groups gnomAD compares: African/African-American, 0.046%; no homozygotes.

Submission:

PreventionGenetics, part of Exact Sciences
Classification: Likely benign for SFTPA1-related condition. Last evaluated: 2019-08-22. Review status: no assertion criteria provided. Collection method: clinical testing. Allele origin: germline.
Comment: This variant is classified as likely benign based on ACMG/AMP sequence variant interpretation guidelines (Richards et al. 2015 PMID: 25741868, with internal and published modifications).

NM_005411.5(SFTPA1):c.-23-157T>A

Gene: SFTPA1 (surfactant protein A1; plus strand). Cytogenetic location: 10q22.3.
Variant type: single nucleotide variant.
Coding change: c.-23-157T>A on transcript NM_005411.5 (MANE Select); 157 bases into the intron before 23 bases upstream of the start codon, T replaced by A.
Molecular consequence: intron variant.
Genome position (GRCh38, 1-based): chr10:79,611,646, T>A. VCF-style: chr10-79611646-T-A. GRCh37 (hg19) VCF-style: chr10-81371402-T-A.
Other names: c.-23-157T>A (NM_001164646.2, NM_001164644.2, NM_001164647.1); c.22+5T>A (NM_001164645.2, NM_001093770.3).
Identifiers: ClinVar variation 3053251 (VCV003053251.2), dbSNP rs765560434, ClinGen allele CA5574299.
Genomic context (GRCh38, chr10:79,611,646, plus strand): 5'-GAGACCCCACAACCTCCAGCCGGAGGCCTGAAGCATGAGGCCATGCCAGGTGCCAGGTGA[T>A]GCTGGGAATTTTCCCGGGAGCTTCGGGTCTTCCCAGCACTCTGGTCTCGCCCGCCCTGCC-3'